The following is an entry in ClinVar:

NM_000373.4(UMPS):c.866A>G (p.Asp289Gly)

Gene: UMPS (uridine monophosphate synthetase; plus strand). Cytogenetic location: 3q21.2.
Variant type: single nucleotide variant.
Coding change: c.866A>G on transcript NM_000373.4 (MANE Select); coding-DNA position 866, A replaced by G.
Protein change: p.Asp289Gly; replaces aspartic acid 289 with glycine.
Molecular consequence: missense variant. On other transcripts: non-coding transcript variant (2).
Genome position (GRCh38, 1-based): chr3:124,738,123, A>G. VCF-style: chr3-124738123-A-G. GRCh37 (hg19) VCF-style: chr3-124456970-A-G.
Other names: p.Asp289Gly; c.866A>G (NM_000373.3); short protein forms D289G.
Identifiers: ClinVar variation 3899230 (VCV003899230.2).

ClinVar aggregate classification (germline): Uncertain significance. Review status: criteria provided, multiple submitters, no conflicts (2 of 4 stars). 2 submissions from 2 submitters: Uncertain significance (2). Last evaluated 2026-07-27.

Conditions:
Hereditary orotic aciduria. Also called: UMPS DEFICIENCY; OPRT AND ODC DEFICIENCY; URIDINE MONOPHOSPHATE SYNTHASE DEFICIENCY; OROTIC ACIDURIA I; OROTIDYLIC PYROPHOSPHORYLASE AND OROTIDYLIC DECARBOXYLASE DEFICIENCY; OROTATE PHOSPHORIBOSYLTRANSFERASE AND OROTIDYLIC DECARBOXYLASE DEFICIENCY. Identifiers: Orphanet 30, MedGen C0220987, MONDO:0009797, OMIM 258900.
UMPS-related disorder. Also called: UMPS-related condition.

gnomAD v4.1: 4 of 1,614,090 alleles (0.00025%); highest among the groups gnomAD compares: East Asian, 0.0022%; no homozygotes.

Submissions (2):

PreventionGenetics, part of Exact Sciences
Classification: Uncertain significance for UMPS-related condition. Last evaluated: 2026-07-27. Review status: criteria provided, single submitter. Criteria: ACMG Guidelines, 2015. Collection method: clinical testing. Allele origin: germline.
Comment: The UMPS c.866A>G variant is predicted to result in the amino acid substitution p.Asp289Gly. This variant has been reported in a compound heterozygous state with another UMPS variant in an individual with neutropenia, nephrolithiasis & normocytic anemia (Shen et al. 2021. PubMed ID: 33087887). This variant has not been reported in a large population database (gnomAD), indicating this variant is rare and is interpreted as uncertain in ClinVar (Variation ID: 3899230). Although we suspect that this variant may be pathogenic, at this time, the clinical significance of this variant is uncertain due to the absence of conclusive functional and genetic evidence.

Molecular Diagnostics Laboratory, M Health Fairview: University of Minnesota
Classification: Uncertain significance for Hereditary orotic aciduria. Last evaluated: 2025-01-10. Review status: criteria provided, single submitter. Criteria: ACMG Guidelines, 2015. Collection method: clinical testing. Allele origin: germline. Affected: yes.
Comment: Confirmed in trans with a second UMPS variant